The following is an entry in ClinVar:

ClinVar aggregate classification (germline): Uncertain significance (1 of 4 stars; one submission).

Conditions:
TTN-related disorder. Also called: TTN-related disorders; TTN-related condition; TTN-related disease.

gnomAD v4.1: 2 of 1,613,632 alleles (0.00012%); highest among the groups gnomAD compares: African/African-American, 0.0027%; no homozygotes.

Submission:

PreventionGenetics, part of Exact Sciences
Classification: Uncertain significance for TTN-related condition. Last evaluated: 2026-04-15. Review status: criteria provided, single submitter. Criteria: ACMG Guidelines, 2015. Collection method: clinical testing. Allele origin: germline.
Comment: The TTN c.85361C>T variant is predicted to result in the amino acid substitution p.Pro28454Leu. To our knowledge, this variant has not been reported in the literature or in a large population database (gnomAD), indicating this variant is rare. At this time, the clinical significance of this variant is uncertain due to the absence of conclusive functional and genetic evidence.

NM_001267550.2(TTN):c.85361C>T (p.Pro28454Leu)

Genes: TTN (titin; minus strand), TTN-AS1 (TTN antisense RNA 1; plus strand). Cytogenetic location: 2q31.2.
Variant type: single nucleotide variant.
Coding change: c.85361C>T on transcript NM_001267550.2 (MANE Select); coding-DNA position 85361, C replaced by T.
Protein change: p.Pro28454Leu; replaces proline 28454 with leucine.
Molecular consequence: missense variant.
Genome position (GRCh38, 1-based): chr2:178,560,771, G>A on the plus strand (C>T on the coding strand, the complement: TTN is on the minus strand). VCF-style: chr2-178560771-G-A. GRCh37 (hg19) VCF-style: chr2-179425498-G-A.
Other names: c.80438C>T, p.Pro26813Leu (NM_001256850.1); c.58166C>T, p.Pro19389Leu (NM_003319.4); c.77657C>T, p.Pro25886Leu (NM_133378.4); c.58541C>T, p.Pro19514Leu (NM_133432.3); c.58742C>T, p.Pro19581Leu (NM_133437.4); short protein forms P19581L, P28454L, P19389L, P19514L, P25886L, P26813L.
Identifiers: ClinVar variation 4985198 (VCV004985198.1).
Genomic context (GRCh38, chr2:178,560,771, plus strand): 5'-CGTCCCCAGGAAAGAGAGCATTTCTCAGCAGTGAGGCCATTTATTTCAAGTGGTCCTGCT[G>A]GTGGACCAGGCTTATCAAGTACTTTGCAATTAACGGCCACAGACCGAGTGCCGGCAACAT-3'
Protein context (NP_001254479.2, residues 28444-28464): NCKVLDKPGP[Pro28454Leu]AGPLEINGLT